The following is an entry in ClinVar:

ClinVar aggregate classification (germline): Conflicting classifications of pathogenicity. Review status: criteria provided, conflicting classifications (1 of 4 stars). 4 submissions from 3 submitters: Uncertain significance (1); Benign (2); Likely benign (1). Last evaluated 2026-02-02.

Conditions:
Retinitis pigmentosa (RP). Identifiers: Orphanet 791, MedGen C0035334, MeSH D012174, MONDO:0019200, OMIM 268000. Inheritance: Autosomal dominant, autosomal recessive and X linked inheritance.
Congenital stationary night blindness autosomal dominant 2. Also called: NIGHT BLINDNESS, CONGENITAL STATIONARY, RAMBUSCH TYPE. Identifiers: Orphanet 215, MedGen C1876182, MONDO:0008099, OMIM 163500.

Allele frequency attached by ClinVar (database versions not stated): gnomAD exomes 0.00032 and 0.00088; ExAC 0.00103; ESP Exome Variant Server 0.00346; gnomAD 0.00356 and 0.00373; TOPMed 0.00397; 1000 Genomes Project 0.00399; 1000 Genomes Project 30x 0.00468.
gnomAD v4.1: 1,039 of 1,612,514 alleles (0.064%); highest among the groups gnomAD compares: African/African-American, 1.2%; 6 homozygotes.

Submissions (4):

Labcorp Genetics (formerly Invitae), Labcorp
Classification: Benign. Last evaluated: 2026-02-02. Review status: criteria provided, single submitter. Criteria: Invitae Variant Classification Sherloc (09022015). Collection method: clinical testing. Allele origin: germline.

Blueprint Genetics
Classification: Likely benign. Last evaluated: 2024-10-22. Review status: criteria provided, single submitter. Criteria: ACMG Guidelines, 2015. Collection method: clinical testing. Allele origin: germline.

Illumina Laboratory Services, Illumina
Classification: Benign for Congenital stationary night blindness autosomal dominant 2. Last evaluated: 2018-01-13. Review status: criteria provided, single submitter. Criteria: ICSL Variant Classification Criteria 13 December 2019. Collection method: clinical testing. Allele origin: germline.
Comment: This variant was observed in the ICSL laboratory as part of a predisposition screen in an ostensibly healthy population. It had not been previously curated by ICSL or reported in the Human Gene Mutation Database (HGMD: prior to June 1st, 2018), and was therefore a candidate for classification through an automated scoring system. Utilizing variant allele frequency, disease prevalence and penetrance estimates, and inheritance mode, an automated score was calculated to assess if this variant is too frequent to cause the disease. Based on the score and internal cut-off values, a variant classified as benign is not then subjected to further curation. The score for this variant resulted in a classification of benign for this disease.

Illumina Laboratory Services, Illumina
Classification: Uncertain significance for Retinitis pigmentosa. Last evaluated: 2018-01-13. Review status: criteria provided, single submitter. Criteria: ICSL Variant Classification Criteria 13 December 2019. Collection method: clinical testing. Allele origin: germline.

NM_000283.4(PDE6B):c.1108-9C>T

Gene: PDE6B (phosphodiesterase 6B; plus strand). Cytogenetic location: 4p16.3.
Variant type: single nucleotide variant.
Coding change: c.1108-9C>T on transcript NM_000283.4 (MANE Select); 9 bases into the intron before coding-DNA position 1108, C replaced by T.
Molecular consequence: intron variant.
Genome position (GRCh38, 1-based): chr4:656,865, C>T. VCF-style: chr4-656865-C-T. GRCh37 (hg19) VCF-style: chr4-650654-C-T.
Other names: c.1108-9C>T (NM_001145291.2); c.271-9C>T (NM_001379246.1, NM_001379247.1, NM_001145292.2 and 1 more transcripts); c.-48-9C>T (NM_001350155.3).
Identifiers: ClinVar variation 349372 (VCV000349372.16), dbSNP rs200970775, ClinGen allele CA2794363.
Genomic context (GRCh38, chr4:656,865, plus strand): 5'-TCCCCGGCCACACGCCCGGGCCAGGGCCAGCCTCAGGGCGGAGCTCAGCTCTGGACACCG[C>T]TCCCGCAGGAAGGGGCCCTGGACGACTCCGGGTGGCTCATCAAGAATGTGCTGTCCATGC-3'